The following is an entry in ClinVar:

ClinVar aggregate classification (germline): Uncertain significance. Review status: criteria provided, multiple submitters, no conflicts (2 of 4 stars). 4 submissions from 4 submitters: Uncertain significance (4). Last evaluated 2024-10-16.

Conditions:
Cardiovascular phenotype. Identifiers: MedGen CN230736.
Myofibrillar myopathy 4. Also called: Zaspopathy (type). Identifiers: Orphanet 98912, MedGen C4721886, MONDO:0012277, OMIM 609452.

Allele frequency attached by ClinVar (database versions not stated): gnomAD exomes below 0.00001; gnomAD 0.00001; TOPMed 0.00001.
gnomAD v4.1: 10 of 1,613,096 alleles (0.00062%); highest among the groups gnomAD compares: Non-Finnish European, 0.00085%; no homozygotes.

Submissions (4):

Labcorp Genetics (formerly Invitae), Labcorp
Classification: Uncertain significance for Myofibrillar myopathy 4. Last evaluated: 2024-10-16. Review status: criteria provided, single submitter. Criteria: Invitae Variant Classification Sherloc (09022015). Collection method: clinical testing. Allele origin: germline.
Comment: This sequence change replaces asparagine, which is neutral and polar, with lysine, which is basic and polar, at codon 24 of the LDB3 protein (p.Asn24Lys). This variant is present in population databases (no rsID available, gnomAD 0.007%). This variant has not been reported in the literature in individuals affected with LDB3-related conditions. ClinVar contains an entry for this variant (Variation ID: 567732). An algorithm developed to predict the effect of missense changes on protein structure and function (PolyPhen-2) suggests that this variant is likely to be disruptive. In summary, the available evidence is currently insufficient to determine the role of this variant in disease. Therefore, it has been classified as a Variant of Uncertain Significance.

Ambry Genetics
Classification: Uncertain significance for Cardiovascular phenotype. Last evaluated: 2024-03-24. Review status: criteria provided, single submitter. Criteria: Ambry Variant Classification Scheme 2023. Collection method: clinical testing. Allele origin: germline.
Comment: The p.N24K variant (also known as c.72C>A), located in coding exon 1 of the LDB3 gene, results from a C to A substitution at nucleotide position 72. The asparagine at codon 24 is replaced by lysine, an amino acid with similar properties. This amino acid position is conserved. In addition, this alteration is predicted to be tolerated by in silico analysis. Since supporting evidence is limited at this time, the clinical significance of this alteration remains unclear.

Blueprint Genetics
Classification: Uncertain significance. Last evaluated: 2023-01-10. Review status: criteria provided, single submitter. Criteria: ACMG Guidelines, 2015. Collection method: clinical testing. Allele origin: germline.

CeGaT Center for Human Genetics Tuebingen
Classification: Uncertain significance. Last evaluated: 2019-09-01. Review status: criteria provided, single submitter. Criteria: CeGaT Center For Human Genetics Tuebingen Variant Classification Criteria Version 2. Collection method: clinical testing. Allele origin: germline. Affected: yes. Observed: 1 variant allele.

NM_007078.3(LDB3):c.72C>A (p.Asn24Lys)

Gene: LDB3 (LIM domain binding 3; plus strand). Cytogenetic location: 10q23.2.
Variant type: single nucleotide variant.
Coding change: c.72C>A on transcript NM_007078.3 (MANE Select); coding-DNA position 72, C replaced by A.
Protein change: p.Asn24Lys; replaces asparagine 24 with lysine.
Molecular consequence: missense variant.
Genome position (GRCh38, 1-based): chr10:86,668,763, C>A. VCF-style: chr10-86668763-C-A. GRCh37 (hg19) VCF-style: chr10-88428520-C-A.
Other names: c.72C>A, p.Asn24Lys (NM_001080114.2, NM_001080115.2, NM_001171610.2 and 8 more transcripts); c.72C>A (NM_007078.2); short protein forms N24K.
Identifiers: ClinVar variation 567732 (VCV000567732.54), dbSNP rs1323002546, ClinGen allele CA377448805.
Genomic context (GRCh38, chr10:86,668,763, plus strand): 5'-TGTGACCCTGACTGGGCCCGGGCCCTGGGGCTTCCGTCTGCAGGGGGGCAAGGACTTCAA[C>A]ATGCCCCTCACTATCTCCCGGGTGAGTGCACCCTGCCACAGCCTGGCACCCGATGGGGCA-3'
Protein context (NP_009009.1, residues 14-34): GFRLQGGKDF[Asn24Lys]MPLTISRITP